The following is an entry in ClinVar:

NM_014244.5(ADAMTS2):c.651G>A (p.Thr217=)

Gene: ADAMTS2 (ADAM metallopeptidase with thrombospondin type 1 motif 2; minus strand). Cytogenetic location: 5q35.3.
Variant type: single nucleotide variant.
Coding change: c.651G>A on transcript NM_014244.5 (MANE Select); coding-DNA position 651, G replaced by A.
Protein change: p.Thr217=; no amino-acid change (threonine 217 retained).
Molecular consequence: synonymous variant.
Genome position (GRCh38, 1-based): chr5:179,272,948, C>T on the plus strand (G>A on the coding strand, the complement: ADAMTS2 is on the minus strand). VCF-style: chr5-179272948-C-T. GRCh37 (hg19) VCF-style: chr5-178699949-C-T.
Other names: c.651G>A, p.Thr217= (NM_021599.4).
Identifiers: ClinVar variation 682202 (VCV000682202.16), dbSNP rs138580383, ClinGen allele CA3596244.

ClinVar aggregate classification (germline): Likely benign. Review status: criteria provided, multiple submitters, no conflicts (2 of 4 stars). 6 submissions from 6 submitters: Likely benign (4). 2 of the submissions do not count toward it. Last evaluated 2026-01-12.

Conditions:
ADAMTS2-related disorder. Also called: ADAMTS2-related condition.
Ehlers-Danlos syndrome, dermatosparaxis type. Also called: EDS VIIC; Dermatosparaxis; Ehlers-Danlos syndrome, type VII, autosomal recessive. Identifiers: Orphanet 1901, MedGen C2700425, MONDO:0009161, OMIM 225410.

Allele frequency attached by ClinVar (database versions not stated): TOPMed 0.00006; ESP Exome Variant Server 0.00008; gnomAD exomes 0.00009 and 0.00011; ExAC 0.00011; gnomAD 0.00013.
gnomAD v4.1: 163 of 1,611,890 alleles (0.01%); highest among the groups gnomAD compares: Non-Finnish European, 0.012%; no homozygotes.

Submissions (6):

Labcorp Genetics (formerly Invitae), Labcorp
Classification: Likely benign for Ehlers-Danlos syndrome, dermatosparaxis type. Last evaluated: 2026-01-12. Review status: criteria provided, single submitter. Criteria: Invitae Variant Classification Sherloc (09022015). Collection method: clinical testing. Allele origin: germline.

Women's Health and Genetics/Laboratory Corporation of America, LabCorp
Classification: Likely benign. Last evaluated: 2025-04-16. Review status: criteria provided, single submitter. Criteria: LabCorp Variant Classification Summary - May 2015. Collection method: clinical testing. Allele origin: germline.

Blueprint Genetics
Classification: Likely benign. Last evaluated: 2024-04-08. Review status: criteria provided, single submitter. Criteria: ACMG Guidelines, 2015. Collection method: clinical testing. Allele origin: germline.

GeneDx
Classification: Likely benign. Last evaluated: 2018-04-19. Review status: criteria provided, single submitter. Criteria: GeneDx Variant Classification (06012015). Collection method: clinical testing. Allele origin: germline. Affected: yes.
Comment: This variant is considered likely benign or benign based on one or more of the following criteria: it is a conservative change, it occurs at a poorly conserved position in the protein, it is predicted to be benign by multiple in silico algorithms, and/or has population frequency not consistent with disease.

PreventionGenetics, part of Exact Sciences
Classification: Likely benign for ADAMTS2-related condition. Last evaluated: 2021-02-01. Review status: no assertion criteria provided. Collection method: clinical testing. Allele origin: germline. Not counted in ClinVar's aggregate classification.
Comment: This variant is classified as likely benign based on ACMG/AMP sequence variant interpretation guidelines (Richards et al. 2015 PMID: 25741868, with internal and published modifications).

Natera, Inc.
Classification: Likely benign for Ehlers-Danlos syndrome type VIIC. Last evaluated: 2020-06-13. Review status: no assertion criteria provided. Collection method: clinical testing. Allele origin: germline. Not counted in ClinVar's aggregate classification.